The following is an entry in ClinVar:

ClinVar aggregate classification (germline): Uncertain significance. Review status: criteria provided, multiple submitters, no conflicts (2 of 4 stars). 2 submissions from 2 submitters: Uncertain significance (2). Last evaluated 2025-04-12.

Conditions:
Inborn genetic diseases. Identifiers: MedGen C0950123, MeSH D030342.

gnomAD v4.1: 10 of 1,559,748 alleles (0.00064%); highest among the groups gnomAD compares: South Asian, 0.0081%; no homozygotes.

Submissions (2):

Ambry Genetics
Classification: Uncertain significance for Inborn genetic diseases. Last evaluated: 2025-04-12. Review status: criteria provided, single submitter. Criteria: Ambry Variant Classification Scheme 2023. Collection method: clinical testing. Allele origin: germline.

CeGaT Center for Human Genetics Tuebingen
Classification: Uncertain significance. Last evaluated: 2024-07-01. Review status: criteria provided, single submitter. Criteria: CeGaT Center For Human Genetics Tuebingen Variant Classification Criteria Version 2. Collection method: clinical testing. Allele origin: germline. Affected: yes. Observed: 1 variant allele.
Comment: APC2: PM2

NM_005883.3(APC2):c.4565C>T (p.Ala1522Val)

Gene: APC2 (APC regulator of Wnt signaling pathway 2; plus strand). Cytogenetic location: 19p13.3.
Variant type: single nucleotide variant.
Coding change: c.4565C>T on transcript NM_005883.3 (MANE Select); coding-DNA position 4565, C replaced by T.
Protein change: p.Ala1522Val; replaces alanine 1522 with valine.
Molecular consequence: missense variant.
Genome position (GRCh38, 1-based): chr19:1,467,866, C>T. VCF-style: chr19-1467866-C-T. GRCh37 (hg19) VCF-style: chr19-1467865-C-T.
Other names: c.4565C>T (NM_005883.2); c.4562C>T, p.Ala1521Val (NM_001351273.1); short protein forms A1521V, A1522V.
Identifiers: ClinVar variation 3257128 (VCV003257128.17).